The following is an entry in ClinVar:

NM_001903.5(CTNNA1):c.2434-5C>G

Gene: CTNNA1 (catenin alpha 1; plus strand). Cytogenetic location: 5q31.2.
Variant type: single nucleotide variant.
Coding change: c.2434-5C>G on transcript NM_001903.5 (MANE Select); 5 bases into the intron before coding-DNA position 2434, C replaced by G.
Molecular consequence: intron variant.
Genome position (GRCh38, 1-based): chr5:138,933,797, C>G. VCF-style: chr5-138933797-C-G. GRCh37 (hg19) VCF-style: chr5-138269486-C-G.
Other names: c.2434-5C>G (NM_001323982.2, NM_001323984.2, NM_001323983.1); c.2505-5C>G (NM_001290307.3); c.2434-32C>G (NM_001323985.2); c.2341-5C>G (NM_001323986.2); c.2065-5C>G (NM_001290310.3); c.2125-5C>G (NM_001290309.3); c.1324-5C>G (NM_001323996.1, NM_001323993.1, NM_001323998.1 and 12 more transcripts); c.1395-5C>G (NM_001324005.1, NM_001324003.1, NM_001324002.1 and 1 more transcripts); and 4 more.
Identifiers: ClinVar variation 838649 (VCV000838649.33), dbSNP rs369052669, ClinGen allele CA3432244.
Genomic context (GRCh38, chr5:138,933,797, plus strand): 5'-CCCACCTGTGTCCACGAGGCTGGAGGTCAGGCCGGTGCTTCTTACCACCCCTGTCTGCCT[C>G]GTAGGTGGACAGCGCCATGTCCCTGATCCAGGCAGCCAAGAACTTGATGAATGCTGTGGT-3'

ClinVar aggregate classification (germline): Conflicting classifications of pathogenicity. Review status: criteria provided, conflicting classifications (1 of 4 stars). 3 submissions from 3 submitters: Uncertain significance (2); Likely benign (1). Last evaluated 2025-02-12.

Conditions:
Hereditary cancer-predisposing syndrome. Also called: Neoplastic Syndromes, Hereditary; Tumor predisposition; Hereditary neoplastic syndrome; Hereditary Cancer Syndrome. Identifiers: Orphanet 140162, MedGen C0027672, MeSH D009386, MONDO:0015356.

Allele frequency attached by ClinVar (database versions not stated): TOPMed 0.00001; ESP Exome Variant Server 0.00008.
gnomAD v4.1: 20 of 1,611,624 alleles (0.0012%); highest among the groups gnomAD compares: Non-Finnish European, 0.0017%; no homozygotes.

Submissions (3):

Labcorp Genetics (formerly Invitae), Labcorp
Classification: Likely benign. Last evaluated: 2025-02-12. Review status: criteria provided, single submitter. Criteria: Invitae Variant Classification Sherloc (09022015). Collection method: clinical testing. Allele origin: germline.

Ambry Genetics
Classification: Uncertain significance for Hereditary cancer-predisposing syndrome. Last evaluated: 2025-02-10. Review status: criteria provided, single submitter. Criteria: Ambry Variant Classification Scheme 2023. Collection method: clinical testing. Allele origin: germline.
Comment: The c.2434-5C>G intronic variant results from a C to G substitution 5 nucleotides upstream from coding exon 17 in the CTNNA1 gene. This nucleotide position is not well conserved in available vertebrate species. In silico splice site analysis predicts that this alteration will not have any significant effect on splicing. The evidence for this gene-disease relationship is limited; therefore, the clinical significance of this alteration is unclear.

Institute for Clinical Genetics, University Hospital TU Dresden, University Hospital TU Dresden
Classification: Uncertain significance. Last evaluated: 2021-11-03. Review status: criteria provided, single submitter. Criteria: ACMG Guidelines, 2015. Collection method: clinical testing. Allele origin: germline.